The following is an entry in ClinVar:

ClinVar aggregate classification (germline): Benign/Likely benign. Review status: criteria provided, multiple submitters, no conflicts (2 of 4 stars). 2 submissions from 2 submitters: Benign (1); Likely benign (1). Last evaluated 2026-05-28.

Conditions:
KMT2D-related disorder. Also called: KMT2D-Related Disorders.
Kabuki syndrome. Also called: NIIKAWA-KUROKI SYNDROME; Kabuki make-up syndrome. Identifiers: Orphanet 2322, MedGen C0796004, MONDO:0016512.

Allele frequency attached by ClinVar (database versions not stated): gnomAD 0.00001; TOPMed 0.00002; ExAC 0.00003.

Submissions (2):

PreventionGenetics, part of Exact Sciences
Classification: Likely benign for KMT2D-related condition. Last evaluated: 2026-05-28. Review status: criteria provided, single submitter. Criteria: ACMG Guidelines, 2015. Collection method: clinical testing. Allele origin: germline.
Comment: This variant is classified as likely benign based on ACMG/AMP sequence variant interpretation guidelines (Richards et al. 2015 PMID: 25741868, with internal and published modifications).

Labcorp Genetics (formerly Invitae), Labcorp
Classification: Benign for Kabuki syndrome. Last evaluated: 2024-05-06. Review status: criteria provided, single submitter. Criteria: Invitae Variant Classification Sherloc (09022015). Collection method: clinical testing. Allele origin: germline.

NM_003482.4(KMT2D):c.12486G>T (p.Arg4162=)

Gene: KMT2D (lysine methyltransferase 2D; minus strand). Cytogenetic location: 12q13.12.
Variant type: single nucleotide variant.
Coding change: c.12486G>T on transcript NM_003482.4 (MANE Select); coding-DNA position 12486, G replaced by T.
Protein change: p.Arg4162=; no amino-acid change (arginine 4162 retained).
Molecular consequence: synonymous variant.
Genome position (GRCh38, 1-based): chr12:49,032,219, C>A on the plus strand (G>T on the coding strand, the complement: KMT2D is on the minus strand). VCF-style: chr12-49032219-C-A. GRCh37 (hg19) VCF-style: chr12-49426002-C-A.
Identifiers: ClinVar variation 2144709 (VCV002144709.5), dbSNP rs747453970, ClinGen allele CA6546203.
Genomic context (GRCh38, chr12:49,032,219, plus strand): 5'-CCCAGACTGGAGGACAGGTCCTGGTTTGGGAGGTTGTGGCCCTGTATTATTTTGCATGGG[C>A]CGCTCTAGCATGGGCTGTTGGGGGCCCAGAAGGTTCTGGGTCATGGACCCAGGCTGATCC-3'
Protein context (NP_003473.3, residues 4152-4172): LLGPQQPMLE[Arg4162=]PMQNNTGPQP